The following is an entry in ClinVar:

ClinVar aggregate classification (germline): Uncertain significance. Review status: criteria provided, multiple submitters, no conflicts (2 of 4 stars). 3 submissions from 3 submitters: Uncertain significance (3). Last evaluated 2025-03-26.

Conditions:
Cardiovascular phenotype. Identifiers: MedGen CN230736.
Hereditary cancer-predisposing syndrome. Also called: Neoplastic Syndromes, Hereditary; Tumor predisposition; Hereditary Cancer Syndrome; Hereditary neoplastic syndrome. Identifiers: Orphanet 140162, MedGen C0027672, MeSH D009386, MONDO:0015356.
LZTR1-related schwannomatosis. Also called: Schwannomatosis 2; Schwannomatosis-2, susceptibility to. Identifiers: Orphanet 93921, MedGen C3810283, MONDO:0014299, OMIM 615670.

Allele frequency attached by ClinVar (database versions not stated): TOPMed below 0.00001; gnomAD 0.00001.
gnomAD v4.1: 1 of 1,612,876 alleles (0.000062%); highest among the groups gnomAD compares: African/African-American, 0.0013%; no homozygotes.

Submissions (3):

Ambry Genetics
Classification: Uncertain significance for Cardiovascular phenotype; Hereditary cancer-predisposing syndrome. Last evaluated: 2025-03-26. Review status: criteria provided, single submitter. Criteria: Ambry Variant Classification Scheme 2023. Collection method: clinical testing. Allele origin: germline.
Comment: The p.K682R variant (also known as c.2045A>G), located in coding exon 17 of the LZTR1 gene, results from an A to G substitution at nucleotide position 2045. The lysine at codon 682 is replaced by arginine, an amino acid with highly similar properties. This amino acid position is conserved. In addition, the in silico prediction for this alteration is inconclusive. Based on the available evidence, the clinical significance of this variant remains unclear.

Baylor Genetics
Classification: Uncertain significance for LZTR1-related schwannomatosis. Last evaluated: 2023-09-20. Review status: criteria provided, single submitter. Criteria: ACMG Guidelines, 2015. Collection method: clinical testing. Allele origin: unknown.

Labcorp Genetics (formerly Invitae), Labcorp
Classification: Uncertain significance. Last evaluated: 2022-11-14. Review status: criteria provided, single submitter. Criteria: Invitae Variant Classification Sherloc (09022015). Collection method: clinical testing. Allele origin: germline.
Comment: This sequence change replaces lysine, which is basic and polar, with arginine, which is basic and polar, at codon 682 of the LZTR1 protein (p.Lys682Arg). This variant is not present in population databases (gnomAD no frequency). This variant has not been reported in the literature in individuals affected with LZTR1-related conditions. Advanced modeling of protein sequence and biophysical properties (such as structural, functional, and spatial information, amino acid conservation, physicochemical variation, residue mobility, and thermodynamic stability) performed at Invitae indicates that this missense variant is not expected to disrupt LZTR1 protein function. In summary, the available evidence is currently insufficient to determine the role of this variant in disease. Therefore, it has been classified as a Variant of Uncertain Significance.

NM_006767.4(LZTR1):c.2045A>G (p.Lys682Arg)

Gene: LZTR1 (leucine zipper like post translational regulator 1; plus strand). Cytogenetic location: 22q11.21.
Variant type: single nucleotide variant.
Coding change: c.2045A>G on transcript NM_006767.4 (MANE Select); coding-DNA position 2045, A replaced by G.
Protein change: p.Lys682Arg; replaces lysine 682 with arginine.
Molecular consequence: missense variant.
Genome position (GRCh38, 1-based): chr22:20,995,848, A>G. VCF-style: chr22-20995848-A-G. GRCh37 (hg19) VCF-style: chr22-21350137-A-G.
Other names: c.2045A>G (NM_006767.3); short protein forms K682R.
Identifiers: ClinVar variation 2676387 (VCV002676387.5), dbSNP rs1376902786, ClinGen allele CA410779126.